The following is an entry in ClinVar:

NC_000022.10:g.(?_50521493)_(50523373_?)del

Gene: MLC1 (modulator of VRAC current 1; minus strand). Cytogenetic location: 22q13.33.
Variant type: Deletion.
Identifiers: ClinVar variation 3248121 (VCV003248121.1).

ClinVar aggregate classification (germline): Pathogenic (1 of 4 stars; one submission).

Submission:

Labcorp Genetics (formerly Invitae), Labcorp
Classification: Pathogenic. Last evaluated: 2023-12-19. Review status: criteria provided, single submitter. Criteria: Invitae Variant Classification Sherloc (09022015). Collection method: clinical testing. Allele origin: unknown.
Comment: This variant is a gross deletion of the genomic region encompassing exon(s) 2-3 of the MLC1 gene, which includes the initiator codon. This deletion extends beyond the assayed region for this gene and therefore may encompass additional genes. It is expected to result in an absent or disrupted protein product. Loss-of-function variants in MLC1 are known to be pathogenic (PMID: 11254442, 16470554, 24824219). This variant has not been reported in the literature in individuals affected with MLC1-related conditions. For these reasons, this variant has been classified as Pathogenic.

Literature cited by the submitters: PubMed 11254442; PubMed 16470554; PubMed 24824219.